The following is an entry in ClinVar:

ClinVar aggregate classification (germline): Uncertain significance (1 of 4 stars; one submission).

Submission:

Ambry Genetics
Classification: Uncertain significance. Last evaluated: 2024-12-04. Review status: criteria provided, single submitter. Criteria: Ambry Variant Classification Scheme 2023. Collection method: clinical testing. Allele origin: germline.
Comment: The p.S19R variant (also known as c.57T>A), located in coding exon 2 of the RINT1 gene, results from a T to A substitution at nucleotide position 57. The serine at codon 19 is replaced by arginine, an amino acid with dissimilar properties. This amino acid position is conserved. In addition, this alteration is predicted to be tolerated by in silico analysis. Based on the available evidence, the clinical significance of this variant remains unclear.

NM_021930.6(RINT1):c.57T>A (p.Ser19Arg)

Gene: RINT1 (RAD50 interactor 1; plus strand). Cytogenetic location: 7q22.3.
Variant type: single nucleotide variant.
Coding change: c.57T>A on transcript NM_021930.6 (MANE Select); coding-DNA position 57, T replaced by A.
Protein change: p.Ser19Arg; replaces serine 19 with arginine.
Molecular consequence: missense variant. On other transcripts: 5 prime UTR variant (4), non-coding transcript variant (1).
Genome position (GRCh38, 1-based): chr7:105,532,838, T>A. VCF-style: chr7-105532838-T-A. GRCh37 (hg19) VCF-style: chr7-105173285-T-A.
Other names: c.-41T>A (NM_001346599.2); c.-963T>A (NM_001346600.2); c.-866T>A (NM_001346601.2); c.-486T>A (NM_001346603.2); short protein forms S19R.
Identifiers: ClinVar variation 3433669 (VCV003433669.1).